The following is an entry in ClinVar:

NM_001365999.1(SZT2):c.7123C>T (p.Arg2375Ter)

Gene: SZT2 (SZT2 subunit of KICSTOR complex; plus strand). Cytogenetic location: 1p34.2.
Variant type: single nucleotide variant.
Coding change: c.7123C>T on transcript NM_001365999.1 (MANE Select); coding-DNA position 7123, C replaced by T.
Protein change: p.Arg2375Ter; replaces arginine 2375 with a stop codon.
Molecular consequence: nonsense.
Genome position (GRCh38, 1-based): chr1:43,439,961, C>T. VCF-style: chr1-43439961-C-T. GRCh37 (hg19) VCF-style: chr1-43905632-C-T.
Other names: c.6952C>T, p.Arg2318Ter (NM_015284.4); short protein forms R2318*, R2375*.
Identifiers: ClinVar variation 1393129 (VCV001393129.6), dbSNP rs761487760, ClinGen allele CA810116.

ClinVar aggregate classification (germline): Pathogenic (1 of 4 stars; one submission).

Allele frequency attached by ClinVar (database versions not stated): gnomAD exomes below 0.00001; ExAC 0.00001.
gnomAD v4.1: 8 of 1,613,996 alleles (0.0005%); highest among the groups gnomAD compares: East Asian, 0.0022%; no homozygotes.

Submission:

Labcorp Genetics (formerly Invitae), Labcorp
Classification: Pathogenic. Last evaluated: 2024-11-18. Review status: criteria provided, single submitter. Criteria: Invitae Variant Classification Sherloc (09022015). Collection method: clinical testing. Allele origin: germline.
Comment: This sequence change creates a premature translational stop signal (p.Arg2318*) in the SZT2 gene. It is expected to result in an absent or disrupted protein product. Loss-of-function variants in SZT2 are known to be pathogenic (PMID: 23932106, 27248490, 28556953). This variant is present in population databases (rs761487760, gnomAD 0.004%). This variant has not been reported in the literature in individuals affected with SZT2-related conditions. ClinVar contains an entry for this variant (Variation ID: 1393129). For these reasons, this variant has been classified as Pathogenic.

Literature cited by the submitters: PubMed 23932106; PubMed 27248490; PubMed 28556953.